The following is an entry in ClinVar:

NM_000257.4(MYH7):c.4774C>T (p.Arg1592Trp)

Genes: MHRT (myosin heavy chain associated RNA transcript; plus strand), MYH7 (myosin heavy chain 7; minus strand), LOC126861897 (BRD4-independent group 4 enhancer GRCh37_chr14:23884455-23885654; plus strand). Cytogenetic location: 14q11.2.
Variant type: single nucleotide variant.
Coding change: c.4774C>T on transcript NM_000257.4 (MANE Select); coding-DNA position 4774, C replaced by T.
Protein change: p.Arg1592Trp; replaces arginine 1592 with tryptophan.
Molecular consequence: missense variant. On other transcripts: non-coding transcript variant (1).
Genome position (GRCh38, 1-based): chr14:23,416,183, G>A on the plus strand (C>T on the coding strand, the complement: MYH7 is on the minus strand). VCF-style: chr14-23416183-G-A. GRCh37 (hg19) VCF-style: chr14-23885392-G-A.
Other names: short protein forms R1592W.
Identifiers: ClinVar variation 924382 (VCV000924382.14), dbSNP rs1468958169, ClinGen allele CA389037658.

ClinVar aggregate classification (germline): Uncertain significance. Review status: criteria provided, multiple submitters, no conflicts (2 of 4 stars). 3 submissions from 3 submitters: Uncertain significance (3). Last evaluated 2024-10-18.

Conditions:
Cardiomyopathy (CMYO). Also called: Cardiomyopathies. Identifiers: Orphanet 167848, MedGen C0878544, MONDO:0004994, HP:0001638. Inheritance: Various modes of inheritance.
Hypertrophic cardiomyopathy. Also called: HYPERTROPHIC MYOCARDIOPATHY. Identifiers: Orphanet 217569, MedGen C0007194, MeSH D002312, MONDO:0005045, HP:0001639.

Allele frequency attached by ClinVar (database versions not stated): gnomAD exomes below 0.00001 and 0.00001; TOPMed 0.00001.
gnomAD v4.1: 13 of 1,614,128 alleles (0.00081%); highest among the groups gnomAD compares: Non-Finnish European, 0.0011%; no homozygotes.

Submissions (3):

Labcorp Genetics (formerly Invitae), Labcorp
Classification: Uncertain significance for Hypertrophic cardiomyopathy. Last evaluated: 2024-10-18. Review status: criteria provided, single submitter. Criteria: Invitae Variant Classification Sherloc (09022015). Collection method: clinical testing. Allele origin: germline.
Comment: This sequence change replaces arginine, which is basic and polar, with tryptophan, which is neutral and slightly polar, at codon 1592 of the MYH7 protein (p.Arg1592Trp). This variant is present in population databases (no rsID available, gnomAD 0.0009%). This variant has not been reported in the literature in individuals affected with MYH7-related conditions. ClinVar contains an entry for this variant (Variation ID: 924382). Invitae Evidence Modeling of protein sequence and biophysical properties (such as structural, functional, and spatial information, amino acid conservation, physicochemical variation, residue mobility, and thermodynamic stability) indicates that this missense variant is expected to disrupt MYH7 protein function with a positive predictive value of 95%. In summary, the available evidence is currently insufficient to determine the role of this variant in disease. Therefore, it has been classified as a Variant of Uncertain Significance.

Color Diagnostics, LLC DBA Color Health
Classification: Uncertain significance for Cardiomyopathy. Last evaluated: 2024-03-06. Review status: criteria provided, single submitter. Criteria: ACMG Guidelines, 2015. Collection method: clinical testing. Allele origin: germline.
Comment: This missense variant replaces arginine with tryptophan at codon 1592 of the MYH7 protein. Computational prediction suggests that this variant may have deleterious impact on protein structure and function (internally defined REVEL score threshold >= 0.7, PMID: 27666373). To our knowledge, functional studies have not been reported for this variant. This variant has not been reported in individuals affected with cardiovascular disorders in the literature. This variant has been identified in 1/251482 chromosomes in the general population by the Genome Aggregation Database (gnomAD). The available evidence is insufficient to determine the role of this variant in disease conclusively. Therefore, this variant is classified as a Variant of Uncertain Significance.

Mayo Clinic Laboratories, Mayo Clinic
Classification: Uncertain significance. Last evaluated: 2020-02-14. Review status: criteria provided, single submitter. Criteria: ACMG Guidelines, 2015. Collection method: clinical testing. Allele origin: germline. Observed: 1 variant allele.